The following is an entry in ClinVar:

NM_016148.5(SHANK1):c.5902del (p.Ala1968fs)

Gene: SHANK1 (SH3 and multiple ankyrin repeat domains 1; minus strand). Cytogenetic location: 19q13.33.
Variant type: Deletion.
Coding change: c.5902del on transcript NM_016148.5 (MANE Select); coding-DNA position 5902, one base deleted (G; older notation c.5902delG).
Protein change: p.Ala1968fs; shifts the reading frame from alanine 1968.
Molecular consequence: frameshift variant.
Genome position (GRCh38, 1-based): chr19:50,662,549, C deleted on the plus strand (G on the coding strand, the reverse complement: SHANK1 is on the minus strand); the first of 4 consecutive C bases (chr19:50,662,549-50,662,552); deleting any one gives the same sequence. VCF-style (leftmost placement, unchanged base first): chr19-50662548-GC-G. GRCh37 (hg19) VCF-style: chr19-51165805-GC-G.
Other names: short protein forms A1968fs.
Identifiers: ClinVar variation 1700825 (VCV001700825.2), dbSNP rs2123059687, ClinGen allele CA645606204.
Genomic context (GRCh38, chr19:50,662,548, plus strand): 5'-AACTCCACGCCCTGGAGGTGGCGGGTGGACGTGGAGGAGGAGGAGGCTGAGGGTGAGGTG[GC>G]CCCTGGGGCCGCAGCGGCTGTAGGGGAGACCCCTGTTCCGGTGGGGAGTGGCGGCAGAGG-3'

ClinVar aggregate classification (germline): Uncertain significance (1 of 4 stars; one submission).

Submission:

GeneDx
Classification: Uncertain significance. Last evaluated: 2022-02-09. Review status: criteria provided, single submitter. Criteria: GeneDx Variant Classification Process June 2021. Collection method: clinical testing. Allele origin: germline. Affected: yes.
Comment: Frameshift variant predicted to result in protein truncation as the last 194 amino acids are replaced with 164 different amino acids, although loss-of-function variants have not been reported downstream of this position in the protein; Not observed at significant frequency in large population cohorts (gnomAD); Has not been previously published as pathogenic or benign to our knowledge